The following is an entry in ClinVar:

NM_005188.4(CBL):c.1261T>C (p.Cys421Arg)

Gene: CBL (Cbl proto-oncogene; plus strand). Cytogenetic location: 11q23.3.
Variant type: single nucleotide variant.
Coding change: c.1261T>C on transcript NM_005188.4 (MANE Select); coding-DNA position 1261, T replaced by C.
Protein change: p.Cys421Arg; replaces cysteine 421 with arginine.
Molecular consequence: missense variant.
Genome position (GRCh38, 1-based): chr11:119,278,543, T>C. VCF-style: chr11-119278543-T-C. GRCh37 (hg19) VCF-style: chr11-119149253-T-C.
Other names: c.1261T>C (NM_005188.2); short protein forms C421R.
Identifiers: ClinVar variation 3698692 (VCV003698692.3).
Genomic context (GRCh38, chr11:119,278,543, plus strand): 5'-TGTTACTATCTTTTGCTTCTTCTGCAGGAATCAGAAGGTCAGGGCTGTCCTTTCTGCCGA[T>C]GTGAAATTAAAGGTACTGAACCCATCGTGGTAGATCCGTTTGATCCTAGAGGGAGTGGCA-3'
Protein context (NP_005179.2, residues 411-431): SEGQGCPFCR[Cys421Arg]EIKGTEPIVV

ClinVar aggregate classification (germline): Uncertain significance. Review status: criteria provided, multiple submitters, no conflicts (2 of 4 stars). 2 submissions from 2 submitters: Uncertain significance (2). Last evaluated 2026-02-23.

Conditions:
RASopathy. Also called: Noonan spectrum disorder; rasopathies. Identifiers: Orphanet 536391, MedGen C5555857, MONDO:0021060.
Cardiovascular phenotype. Identifiers: MedGen CN230736.

gnomAD v4.1: 1 of 1,614,198 alleles (0.000062%); highest among the groups gnomAD compares: Non-Finnish European, 0.000085%; no homozygotes.

Submissions (2):

Ambry Genetics
Classification: Uncertain significance for Cardiovascular phenotype. Last evaluated: 2026-02-23. Review status: criteria provided, single submitter. Criteria: Ambry Variant Classification Scheme 2023. Collection method: clinical testing. Allele origin: germline.
Comment: The p.C421R variant (also known as c.1261T>C), located in coding exon 9 of the CBL gene, results from a T to C substitution at nucleotide position 1261. The cysteine at codon 421 is replaced by arginine, an amino acid with highly dissimilar properties. This amino acid position is conserved. In addition, this alteration is predicted to be deleterious by in silico analysis. Based on the available evidence, the clinical significance of this variant remains unclear.

Labcorp Genetics (formerly Invitae), Labcorp
Classification: Uncertain significance for RASopathy. Last evaluated: 2024-04-25. Review status: criteria provided, single submitter. Criteria: Invitae Variant Classification Sherloc (09022015). Collection method: clinical testing. Allele origin: germline.
Comment: This sequence change replaces cysteine, which is neutral and slightly polar, with arginine, which is basic and polar, at codon 421 of the CBL protein (p.Cys421Arg). This variant is not present in population databases (gnomAD no frequency). This variant has not been reported in the literature in individuals affected with CBL-related conditions. Advanced modeling of protein sequence and biophysical properties (such as structural, functional, and spatial information, amino acid conservation, physicochemical variation, residue mobility, and thermodynamic stability) has been performed at Invitae for this missense variant, however the output from this modeling did not meet the statistical confidence thresholds required to predict the impact of this variant on CBL protein function. In summary, the available evidence is currently insufficient to determine the role of this variant in disease. Therefore, it has been classified as a Variant of Uncertain Significance.